The following is an entry in ClinVar:

ClinVar aggregate classification (germline): Uncertain significance (1 of 4 stars; one submission).

Conditions:
Hereditary breast ovarian cancer syndrome. Also called: Hereditary breast and ovarian cancer syndrome (HBOC); Hereditary breast and ovarian cancer; Breast and ovarian cancer; Hereditary breast and/or ovarian cancer syndrome; BRCA1- and BRCA2-Associated Hereditary Breast and Ovarian Cancer; Hereditary breast and ovarian cancer syndrome. Identifiers: Orphanet 145, MedGen C0677776, MeSH D061325, MONDO:0003582. Disease mechanism: loss of function.

Submission:

Labcorp Genetics (formerly Invitae), Labcorp
Classification: Uncertain significance for Hereditary breast ovarian cancer syndrome. Last evaluated: 2025-03-18. Review status: criteria provided, single submitter. Criteria: Invitae Variant Classification Sherloc (09022015). Collection method: clinical testing. Allele origin: germline.
Comment: This sequence change replaces serine, which is neutral and polar, with glycine, which is neutral and non-polar, at codon 2127 of the BRCA2 protein (p.Ser2127Gly). This variant is not present in population databases (gnomAD no frequency). This variant has not been reported in the literature in individuals affected with BRCA2-related conditions. Invitae Evidence Modeling of protein sequence and biophysical properties (such as structural, functional, and spatial information, amino acid conservation, physicochemical variation, residue mobility, and thermodynamic stability) indicates that this missense variant is not expected to disrupt BRCA2 protein function with a negative predictive value of 95%. In summary, the available evidence is currently insufficient to determine the role of this variant in disease. Therefore, it has been classified as a Variant of Uncertain Significance.

NM_000059.4(BRCA2):c.6379A>G (p.Ser2127Gly)

Gene: BRCA2 (BRCA2 DNA repair associated; plus strand). Cytogenetic location: 13q13.1.
Variant type: single nucleotide variant.
Coding change: c.6379A>G on transcript NM_000059.4 (MANE Select); coding-DNA position 6379, A replaced by G.
Protein change: p.Ser2127Gly; replaces serine 2127 with glycine.
Molecular consequence: missense variant. On other transcripts: non-coding transcript variant (1), intron variant (2).
Genome position (GRCh38, 1-based): chr13:32,340,734, A>G. VCF-style: chr13-32340734-A-G. GRCh37 (hg19) VCF-style: chr13-32914871-A-G.
Other names: c.6379A>G, p.Ser2127Gly (NM_001406719.1, NM_001406720.1, NM_001432077.1); c.1910-3824A>G (NM_001406721.1); c.425-3824A>G (NM_001406722.1); short protein forms S2127G.
Identifiers: ClinVar variation 4802325 (VCV004802325.1).